The following is an entry in ClinVar:

ClinVar aggregate classification (germline): Uncertain significance (1 of 4 stars; one submission).

Submission:

GeneDx
Classification: Uncertain significance. Last evaluated: 2022-08-06. Review status: criteria provided, single submitter. Criteria: GeneDx Variant Classification Process June 2021. Collection method: clinical testing. Allele origin: germline. Affected: yes.
Comment: Not observed at significant frequency in large population cohorts (gnomAD); In silico analysis supports that this missense variant has a deleterious effect on protein structure/function; Has not been previously published as pathogenic or benign to our knowledge

NM_003410.4(ZFX):c.1529A>C (p.His510Pro)

Gene: ZFX (zinc finger protein X-linked; plus strand). Cytogenetic location: Xp22.11.
Variant type: single nucleotide variant.
Coding change: c.1529A>C on transcript NM_003410.4 (MANE Select); coding-DNA position 1529, A replaced by C.
Protein change: p.His510Pro; replaces histidine 510 with proline.
Molecular consequence: missense variant. On other transcripts: 3 prime UTR variant (1).
Genome position (GRCh38, 1-based): chrX:24,210,487, A>C. VCF-style: chrX-24210487-A-C. GRCh37 (hg19) VCF-style: chrX-24228604-A-C.
Other names: c.1529A>C, p.His510Pro (NM_001178084.2, NM_001178085.1); c.842A>C, p.His281Pro (NM_001178086.2); c.*289A>C (NM_001178095.2); c.1646A>C, p.His549Pro (NM_001330327.2); short protein forms H281P, H510P, H549P.
Identifiers: ClinVar variation 3342584 (VCV003342584.1).